The following is an entry in ClinVar:

ClinVar aggregate classification (germline): Uncertain significance. Review status: criteria provided, multiple submitters, no conflicts (2 of 4 stars). 2 submissions from 2 submitters: Uncertain significance (2). Last evaluated 2024-07-29.

Conditions:
Brugada syndrome. Also called: Sudden unexpected nocturnal death syndrome; Sudden unexplained nocturnal death syndrome; Sudden Unexplained Death Syndrome; Sudden Unexplained Nocturnal Death Syndrome (SUNDS). Identifiers: Orphanet 130, MedGen C1142166, MONDO:0015263.

Submissions (2):

Labcorp Genetics (formerly Invitae), Labcorp
Classification: Uncertain significance for Brugada syndrome. Last evaluated: 2024-07-29. Review status: criteria provided, single submitter. Criteria: Invitae Variant Classification Sherloc (09022015). Collection method: clinical testing. Allele origin: germline.
Comment: This sequence change replaces leucine, which is neutral and non-polar, with valine, which is neutral and non-polar, at codon 882 of the SCN10A protein (p.Leu882Val). This variant is not present in population databases (gnomAD no frequency). This variant has not been reported in the literature in individuals affected with SCN10A-related conditions. ClinVar contains an entry for this variant (Variation ID: 1046489). Advanced modeling of protein sequence and biophysical properties (such as structural, functional, and spatial information, amino acid conservation, physicochemical variation, residue mobility, and thermodynamic stability) has been performed at Invitae for this missense variant, however the output from this modeling did not meet the statistical confidence thresholds required to predict the impact of this variant on SCN10A protein function. In summary, the available evidence is currently insufficient to determine the role of this variant in disease. Therefore, it has been classified as a Variant of Uncertain Significance.

GeneDx
Classification: Uncertain significance. Last evaluated: 2019-07-25. Review status: criteria provided, single submitter. Criteria: GeneDx Variant Classification Process June 2021. Collection method: clinical testing. Allele origin: germline. Affected: yes.
Comment: Has not been previously published as pathogenic or benign to our knowledge; Not observed in large population cohorts (Lek et al., 2016); In silico analysis, which includes protein predictors and evolutionary conservation, supports a deleterious effect

NM_006514.4(SCN10A):c.2644C>G (p.Leu882Val)

Gene: SCN10A (sodium voltage-gated channel alpha subunit 10; minus strand). Cytogenetic location: 3p22.2.
Variant type: single nucleotide variant.
Coding change: c.2644C>G on transcript NM_006514.4 (MANE Select); coding-DNA position 2644, C replaced by G.
Protein change: p.Leu882Val; replaces leucine 882 with valine.
Molecular consequence: missense variant.
Genome position (GRCh38, 1-based): chr3:38,727,049, G>C on the plus strand (C>G on the coding strand, the complement: SCN10A is on the minus strand). VCF-style: chr3-38727049-G-C. GRCh37 (hg19) VCF-style: chr3-38768540-G-C.
Other names: c.2644C>G, p.Leu882Val (NM_001293306.2); c.2350C>G, p.Leu784Val (NM_001293307.2); short protein forms L784V, L882V.
Identifiers: ClinVar variation 1046489 (VCV001046489.7), dbSNP rs2063465316, ClinGen allele CA352159523.
Genomic context (GRCh38, chr3:38,727,049, plus strand): 5'-CCGGGGCTGTGAGGTTGTCAGCACTGAAAGAGTTCAATAGCAGGGCGATGAACAGGTTAA[G>C]CACCTGAAGAGAAGGAATGGAAGGGAAGATTGATCAATCTCTAAGCTGAGCCCCACATTG-3'
Protein context (NP_006505.4, residues 872-892): TVMVLGNLVV[Leu882Val]NLFIALLLNS